The following is an entry in ClinVar:

NM_001447.3(FAT2):c.6595G>C (p.Glu2199Gln)

Genes: FAT2 (FAT atypical cadherin 2; minus strand), SLC36A1 (solute carrier family 36 member 1; plus strand). Cytogenetic location: 5q33.1.
Variant type: single nucleotide variant.
Coding change: c.6595G>C on transcript NM_001447.3 (MANE Select); coding-DNA position 6595, G replaced by C.
Protein change: p.Glu2199Gln; replaces glutamic acid 2199 with glutamine.
Molecular consequence: missense variant.
Genome position (GRCh38, 1-based): chr5:151,544,532, C>G on the plus strand (G>C on the coding strand, the complement: FAT2 is on the minus strand). VCF-style: chr5-151544532-C-G. GRCh37 (hg19) VCF-style: chr5-150924093-C-G.
Other names: short protein forms E2199Q.
Identifiers: ClinVar variation 2052778 (VCV002052778.1), dbSNP rs937557951, ClinGen allele CA129959639.

ClinVar aggregate classification (germline): Uncertain significance (1 of 4 stars; one submission).

Allele frequency attached by ClinVar (database versions not stated): gnomAD exomes below 0.00001; TOPMed 0.00002.
gnomAD v4.1: 6 of 1,613,730 alleles (0.00037%); highest among the groups gnomAD compares: Admixed American, 0.0083%; no homozygotes.

Submission:

Labcorp Genetics (formerly Invitae), Labcorp
Classification: Uncertain significance. Last evaluated: 2022-06-03. Review status: criteria provided, single submitter. Criteria: Invitae Variant Classification Sherloc (09022015). Collection method: clinical testing. Allele origin: germline.
Comment: This sequence change replaces glutamic acid, which is acidic and polar, with glutamine, which is neutral and polar, at codon 2199 of the FAT2 protein (p.Glu2199Gln). This variant is present in population databases (no rsID available, gnomAD 0.009%). This variant has not been reported in the literature in individuals affected with FAT2-related conditions. Algorithms developed to predict the effect of missense changes on protein structure and function (SIFT, PolyPhen-2, Align-GVGD) all suggest that this variant is likely to be disruptive. In summary, the available evidence is currently insufficient to determine the role of this variant in disease. Therefore, it has been classified as a Variant of Uncertain Significance.